The following is an entry in ClinVar:

ClinVar aggregate classification (germline): Uncertain significance (1 of 4 stars; one submission).

Conditions:
Rhabdoid tumor predisposition syndrome 2 (RTPS2). Identifiers: Orphanet 231108, Orphanet 69077, MedGen C2750074, MONDO:0013224, OMIM 613325.

Submission:

Labcorp Genetics (formerly Invitae), Labcorp
Classification: Uncertain significance for Rhabdoid tumor predisposition syndrome 2. Last evaluated: 2021-05-27. Review status: criteria provided, single submitter. Criteria: Invitae Variant Classification Sherloc (09022015). Collection method: clinical testing. Allele origin: germline.
Comment: Algorithms developed to predict the effect of missense changes on protein structure and function are either unavailable or do not agree on the potential impact of this missense change (SIFT: "Deleterious"; PolyPhen-2: "Benign"; Align-GVGD: "Class C0"). In summary, the available evidence is currently insufficient to determine the role of this variant in disease. Therefore, it has been classified as a Variant of Uncertain Significance. This variant has not been reported in the literature in individuals with SMARCA4-related conditions. This variant is not present in population databases (ExAC no frequency). This sequence change replaces leucine with valine at codon 434 of the SMARCA4 protein (p.Leu434Val). The leucine residue is highly conserved and there is a small physicochemical difference between leucine and valine.

NM_003072.5(SMARCA4):c.1300C>G (p.Leu434Val)

Gene: SMARCA4 (SWI/SNF related BAF chromatin remodeling complex subunit ATPase 4; plus strand). Cytogenetic location: 19p13.2.
Variant type: single nucleotide variant.
Coding change: c.1300C>G on transcript NM_003072.5 (MANE Select); coding-DNA position 1300, C replaced by G.
Protein change: p.Leu434Val; replaces leucine 434 with valine.
Molecular consequence: missense variant. On other transcripts: non-coding transcript variant (1).
Genome position (GRCh38, 1-based): chr19:10,991,204, C>G. VCF-style: chr19-10991204-C-G. GRCh37 (hg19) VCF-style: chr19-11101880-C-G.
Other names: c.1300C>G, p.Leu434Val (NM_001128844.3, NM_001128845.2, NM_001128846.2 and 5 more transcripts); short protein forms L434V.
Identifiers: ClinVar variation 1465879 (VCV001465879.8), dbSNP rs2145879278, ClinGen allele CA404060661.